The following is an entry in ClinVar:

NM_016156.6(MTMR2):c.956T>C (p.Phe319Ser)

Gene: MTMR2 (myotubularin related protein 2; minus strand). Cytogenetic location: 11q21.
Variant type: single nucleotide variant.
Coding change: c.956T>C on transcript NM_016156.6 (MANE Select); coding-DNA position 956, T replaced by C.
Protein change: p.Phe319Ser; replaces phenylalanine 319 with serine.
Molecular consequence: missense variant.
Genome position (GRCh38, 1-based): chr11:95,849,711, A>G on the plus strand (T>C on the coding strand, the complement: MTMR2 is on the minus strand). VCF-style: chr11-95849711-A-G. GRCh37 (hg19) VCF-style: chr11-95582875-A-G.
Other names: c.740T>C, p.Phe247Ser (NM_001243571.2, NM_201278.3, NM_201281.3); short protein forms F319S, F247S.
Identifiers: ClinVar variation 1767419 (VCV001767419.2), dbSNP rs1863940043, ClinGen allele CA382425303.

ClinVar aggregate classification (germline): Uncertain significance (1 of 4 stars; one submission).

Conditions:
Inborn genetic diseases. Identifiers: MedGen C0950123, MeSH D030342.

gnomAD v4.1: 1 of 1,614,064 alleles (0.000062%); highest among the groups gnomAD compares: Non-Finnish European, 0.000085%; no homozygotes.

Submission:

Ambry Genetics
Classification: Uncertain significance for Inborn genetic diseases. Last evaluated: 2020-01-22. Review status: criteria provided, single submitter. Criteria: Ambry Variant Classification Scheme 2023. Collection method: clinical testing. Allele origin: germline.
Comment: The p.F319S variant (also known as c.956T>C), located in coding exon 9 of the MTMR2 gene, results from a T to C substitution at nucleotide position 956. The phenylalanine at codon 319 is replaced by serine, an amino acid with highly dissimilar properties. This amino acid position is highly conserved in available vertebrate species. In addition, this alteration is predicted to be deleterious by in silico analysis. Since supporting evidence is limited at this time, the clinical significance of this alteration remains unclear.